The following is an entry in ClinVar:

ClinVar aggregate classification (germline): Likely pathogenic. Review status: criteria provided, multiple submitters, no conflicts (2 of 4 stars). 2 submissions from 2 submitters: Likely pathogenic (2). Last evaluated 2025-05-02.

gnomAD v4.1: 4 of 1,596,982 alleles (0.00025%); highest among the groups gnomAD compares: Non-Finnish European, 0.00026%; no homozygotes.

Submissions (2):

Dasa
Classification: Likely pathogenic. Last evaluated: 2025-05-02. Review status: criteria provided, single submitter. Criteria: DASA Assertion Criteria. Collection method: clinical testing. Allele origin: germline.
Comment: NM_024854.5(PYROXD1):c.881-2A>T affects a canonical splice site and is predicted to disrupt normal RNA splicing. Loss of function is an established disease mechanism for PYROXD1-associated disorders. Also, this variant is rare in population databases. Based on the currently available evidence, this variant is classified as likely pathogenic.

Labcorp Genetics (formerly Invitae), Labcorp
Classification: Likely pathogenic. Last evaluated: 2025-02-10. Review status: criteria provided, single submitter. Criteria: Invitae Variant Classification Sherloc (09022015). Collection method: clinical testing. Allele origin: germline.
Comment: This sequence change affects an acceptor splice site in intron 8 of the PYROXD1 gene. It is expected to disrupt RNA splicing. Variants that disrupt the donor or acceptor splice site typically lead to a loss of protein function (PMID: 16199547), and loss-of-function variants in PYROXD1 are known to be pathogenic (PMID: 27745833). This variant is not present in population databases (gnomAD no frequency). This variant has not been reported in the literature in individuals affected with PYROXD1-related conditions. Algorithms developed to predict the effect of sequence changes on RNA splicing suggest that this variant may disrupt the consensus splice site. In summary, the currently available evidence indicates that the variant is pathogenic, but additional data are needed to prove that conclusively. Therefore, this variant has been classified as Likely Pathogenic.

Literature cited by the submitters: PubMed 16199547 (cited by Labcorp Genetics (formerly Invitae), Labcorp); PubMed 27745833 (cited by Labcorp Genetics (formerly Invitae), Labcorp).

NM_024854.5(PYROXD1):c.881-2A>T

Gene: PYROXD1 (pyridine nucleotide-disulphide oxidoreductase domain 1; plus strand). Cytogenetic location: 12p12.1.
Variant type: single nucleotide variant.
Coding change: c.881-2A>T on transcript NM_024854.5 (MANE Select); the canonical splice acceptor site of the intron before coding-DNA position 881, A replaced by T.
Molecular consequence: splice acceptor variant.
Genome position (GRCh38, 1-based): chr12:21,462,006, A>T. VCF-style: chr12-21462006-A-T. GRCh37 (hg19) VCF-style: chr12-21614940-A-T.
Other names: c.104-2A>T (NM_001350913.2); c.668-2A>T (NM_001350912.2).
Identifiers: ClinVar variation 4767732 (VCV004767732.3).